The following is an entry in ClinVar:

ClinVar aggregate classification (germline): Uncertain significance (1 of 4 stars; one submission).

Conditions:
Glycogen storage disease IXd (GSD9D). Also called: Muscle Phosphorylase Kinase Deficiency; GSD IXd. Identifiers: Orphanet 715, MedGen C1845151, MONDO:0010362, OMIM 300559.

Submission:

Labcorp Genetics (formerly Invitae), Labcorp
Classification: Uncertain significance for Glycogen storage disease IXd. Last evaluated: 2021-12-28. Review status: criteria provided, single submitter. Criteria: Invitae Variant Classification Sherloc (09022015). Collection method: clinical testing. Allele origin: germline.
Comment: This sequence change replaces isoleucine, which is neutral and non-polar, with methionine, which is neutral and non-polar, at codon 241 of the PHKA1 protein (p.Ile241Met). This variant is not present in population databases (gnomAD no frequency). This variant has not been reported in the literature in individuals affected with PHKA1-related conditions. Algorithms developed to predict the effect of missense changes on protein structure and function are either unavailable or do not agree on the potential impact of this missense change (SIFT: "Deleterious"; PolyPhen-2: "Possibly Damaging"; Align-GVGD: "Class C0"). In summary, the available evidence is currently insufficient to determine the role of this variant in disease. Therefore, it has been classified as a Variant of Uncertain Significance.

NM_002637.4(PHKA1):c.723C>G (p.Ile241Met)

Gene: PHKA1 (phosphorylase kinase regulatory subunit alpha 1; minus strand). Cytogenetic location: Xq13.1.
Variant type: single nucleotide variant.
Coding change: c.723C>G on transcript NM_002637.4 (MANE Select); coding-DNA position 723, C replaced by G.
Protein change: p.Ile241Met; replaces isoleucine 241 with methionine.
Molecular consequence: missense variant.
Genome position (GRCh38, 1-based): chrX:72,666,292, G>C on the plus strand (C>G on the coding strand, the complement: PHKA1 is on the minus strand). VCF-style: chrX-72666292-G-C. GRCh37 (hg19) VCF-style: chrX-71886142-G-C.
Other names: c.723C>G, p.Ile241Met (NM_001122670.2, NM_001172436.2); short protein forms I241M.
Identifiers: ClinVar variation 2064070 (VCV002064070.4), dbSNP rs2522662212, ClinGen allele CA413594378.